The following is an entry in ClinVar:

ClinVar aggregate classification (germline): Uncertain significance (1 of 4 stars; one submission).

Conditions:
Cardiovascular phenotype. Identifiers: MedGen CN230736.

Submission:

Ambry Genetics
Classification: Uncertain significance for Cardiovascular phenotype. Last evaluated: 2024-04-12. Review status: criteria provided, single submitter. Criteria: Ambry Variant Classification Scheme 2023. Collection method: clinical testing. Allele origin: germline.
Comment: The p.M631V variant (also known as c.1891A>G), located in coding exon 10 of the JUP gene, results from an A to G substitution at nucleotide position 1891. The methionine at codon 631 is replaced by valine, an amino acid with highly similar properties. This amino acid position is conserved. In addition, this alteration is predicted to be tolerated by in silico analysis. Based on the available evidence, the clinical significance of this variant remains unclear.

NM_002230.4(JUP):c.1891A>G (p.Met631Val)

Gene: JUP (junction plakoglobin; minus strand). Cytogenetic location: 17q21.2.
Variant type: single nucleotide variant.
Coding change: c.1891A>G on transcript NM_002230.4 (MANE Select); coding-DNA position 1891, A replaced by G.
Protein change: p.Met631Val; replaces methionine 631 with valine.
Molecular consequence: missense variant.
Genome position (GRCh38, 1-based): chr17:41,757,667, T>C on the plus strand (A>G on the coding strand, the complement: JUP is on the minus strand). VCF-style: chr17-41757667-T-C. GRCh37 (hg19) VCF-style: chr17-39913919-T-C.
Other names: c.1891A>G, p.Met631Val (NM_001352773.2, NM_001352774.2, NM_001352775.2 and 3 more transcripts); short protein forms M631V.
Identifiers: ClinVar variation 3287290 (VCV003287290.1).